The following is an entry in ClinVar:

ClinVar aggregate classification (germline): Uncertain significance (1 of 4 stars; one submission).

gnomAD v4.1: 1 of 1,614,030 alleles (0.000062%); no homozygotes.

Submission:

Labcorp Genetics (formerly Invitae), Labcorp
Classification: Uncertain significance. Last evaluated: 2025-08-29. Review status: criteria provided, single submitter. Criteria: Invitae Variant Classification Sherloc (09022015). Collection method: clinical testing. Allele origin: germline.
Comment: This sequence change replaces valine, which is neutral and non-polar, with phenylalanine, which is neutral and non-polar, at codon 1747 of the CACNA1E protein (p.Val1747Phe). This variant is not present in population databases (gnomAD no frequency). This variant has not been reported in the literature in individuals affected with CACNA1E-related conditions. Invitae Evidence Modeling of protein sequence and biophysical properties (such as structural, functional, and spatial information, amino acid conservation, physicochemical variation, residue mobility, and thermodynamic stability) has been performed for this missense variant. However, the output from this modeling did not meet the statistical confidence thresholds required to predict the impact of this variant on CACNA1E protein function. In summary, the available evidence is currently insufficient to determine the role of this variant in disease. Therefore, it has been classified as a Variant of Uncertain Significance.

NM_001205293.3(CACNA1E):c.5239G>T (p.Val1747Phe)

Gene: CACNA1E (calcium voltage-gated channel subunit alpha1 E; plus strand). Cytogenetic location: 1q25.3.
Variant type: single nucleotide variant.
Coding change: c.5239G>T on transcript NM_001205293.3 (MANE Select); coding-DNA position 5239, G replaced by T.
Protein change: p.Val1747Phe; replaces valine 1747 with phenylalanine.
Molecular consequence: missense variant.
Genome position (GRCh38, 1-based): chr1:181,776,200, G>T. VCF-style: chr1-181776200-G-T. GRCh37 (hg19) VCF-style: chr1-181745336-G-T.
Other names: c.5239G>T, p.Val1747Phe (NM_000721.4); c.5182G>T, p.Val1728Phe (NM_001205294.2); short protein forms V1728F, V1747F.
Identifiers: ClinVar variation 4811320 (VCV004811320.1).
Genomic context (GRCh38, chr1:181,776,200, plus strand): 5'-GAGTACCTGACTCGGGACTCCTCCATCCTGGGGCCTCACCACTTGGACGAGTTTGTCCGC[G>T]TCTGGGCAGAATATGACCGAGCAGCATGGTGCGTAGGCCCCTCGGCCGCCCCAGCGGGGC-3'
Protein context (NP_001192222.1, residues 1737-1757): GPHHLDEFVR[Val1747Phe]WAEYDRAACG